The following is an entry in ClinVar:

ClinVar aggregate classification (germline): Conflicting classifications of pathogenicity. Review status: criteria provided, conflicting classifications (1 of 4 stars). 4 submissions from 4 submitters: Likely pathogenic (1); Uncertain significance (3). Last evaluated 2026-09-03.

Conditions:
Cardiovascular phenotype. Identifiers: MedGen CN230736.
Hypertrophic cardiomyopathy. Also called: HYPERTROPHIC MYOCARDIOPATHY. Identifiers: Orphanet 217569, MedGen C0007194, MeSH D002312, MONDO:0005045, HP:0001639.

Submissions (4):

Ambry Genetics
Classification: Uncertain significance for Cardiovascular phenotype. Last evaluated: 2026-09-03. Review status: criteria provided, single submitter. Criteria: Ambry Variant Classification Scheme 2023. Collection method: clinical testing. Allele origin: germline.
Comment: The p.S312F variant (also known as c.935C>T), located in coding exon 2 of the MYPN gene, results from a C to T substitution at nucleotide position 935. The serine at codon 312 is replaced by phenylalanine, an amino acid with highly dissimilar properties. This amino acid position is highly conserved in available vertebrate species. In addition, this alteration is predicted to be deleterious by in silico analysis. Based on the available evidence, the clinical significance of this variant remains unclear.

Laboratory for Molecular Medicine, Mass General Brigham Personalized Medicine
Classification: Uncertain significance. Last evaluated: 2015-12-04. Review status: criteria provided, single submitter. Criteria: LMM Criteria. Collection method: clinical testing. Allele origin: germline. Observed: 1 variant allele.
Comment: The p.Ser312Phe variant in MYPN has not been previously reported in individuals with cardiomyopathy and was absent from large population studies. Computational prediction tools and conservation analysis suggest that this variant may impact the protein, though this information is not predictive enough to determine patho genicity. In summary, the clinical significance of the p.Ser312Phe variant is un certain.

Genetics and Genomics Program, Sidra Medicine
Classification: Uncertain significance for Hypertrophic cardiomyopathy. Review status: criteria provided, single submitter. Criteria: ACMG Guidelines, 2015. Collection method: research. Allele origin: unknown. Affected: yes. Observed: 1 variant allele.

Genomic Medicine Center of Excellence, King Faisal Specialist Hospital and Research Centre
Classification: Likely pathogenic. Review status: criteria provided, single submitter. Criteria: ACMG Guidelines, 2015. Collection method: research. Allele origin: germline. Affected: yes.

NM_032578.4(MYPN):c.935C>T (p.Ser312Phe)

Gene: MYPN (myopalladin; plus strand). Cytogenetic location: 10q21.3.
Variant type: single nucleotide variant.
Coding change: c.935C>T on transcript NM_032578.4 (MANE Select); coding-DNA position 935, C replaced by T.
Protein change: p.Ser312Phe; replaces serine 312 with phenylalanine.
Molecular consequence: missense variant. On other transcripts: non-coding transcript variant (2).
Genome position (GRCh38, 1-based): chr10:68,142,972, C>T. VCF-style: chr10-68142972-C-T. GRCh37 (hg19) VCF-style: chr10-69902729-C-T.
Other names: c.935C>T (NM_032578.2); c.935C>T, p.Ser312Phe (NM_001256267.2); c.53C>T, p.Ser18Phe (NM_001256268.2); short protein forms S312F, S18F.
Identifiers: ClinVar variation 191001 (VCV000191001.8), dbSNP rs786205457, ClinGen allele CA235790.